The following is an entry in ClinVar:

ClinVar aggregate classification (germline): Uncertain significance. Review status: criteria provided, multiple submitters, no conflicts (2 of 4 stars). 7 submissions from 7 submitters: Uncertain significance (7). Last evaluated 2026-01-18.

Conditions:
Birt-Hogg-Dube syndrome 1 (BHD1). Also called: FIBROFOLLICULOMAS WITH TRICHODISCOMAS AND ACROCHORDONS. Identifiers: Orphanet 122, MedGen CN375946, MONDO:0800445, OMIM 135150.
Hereditary cancer-predisposing syndrome. Also called: Hereditary neoplastic syndrome; Tumor predisposition; Neoplastic Syndromes, Hereditary; Hereditary Cancer Syndrome. Identifiers: Orphanet 140162, MedGen C0027672, MeSH D009386, MONDO:0015356.
Familial spontaneous pneumothorax (PSP). Identifiers: Orphanet 2903, MedGen C1868193, MONDO:0008259, OMIM 173600.
Nonpapillary renal cell carcinoma. Identifiers: Orphanet 422526, MedGen CN074294, MONDO:0007763, OMIM 144700.
Colorectal cancer. Also called: Malignant Colorectal Neoplasm; Colorectal cancer, somatic. Identifiers: MedGen C0346629, MONDO:0005575, OMIM 114500.
Birt-Hogg-Dube syndrome. Also called: Birt Hogg Dubé syndrome. Identifiers: Orphanet 122, MedGen C0346010, MONDO:0800444.

Allele frequency attached by ClinVar (database versions not stated): TOPMed 0.00001.

Submissions (7):

Labcorp Genetics (formerly Invitae), Labcorp
Classification: Uncertain significance for Birt-Hogg-Dube syndrome. Last evaluated: 2026-01-18. Review status: criteria provided, single submitter. Criteria: Invitae Variant Classification Sherloc (09022015). Collection method: clinical testing. Allele origin: germline.
Comment: This sequence change replaces arginine, which is basic and polar, with histidine, which is basic and polar, at codon 362 of the FLCN protein (p.Arg362His). This variant is present in population databases (no rsID available, gnomAD 0.002%). This variant has not been reported in the literature in individuals affected with FLCN-related conditions. ClinVar contains an entry for this variant (Variation ID: 529995). Invitae Evidence Modeling of protein sequence and biophysical properties (such as structural, functional, and spatial information, amino acid conservation, physicochemical variation, residue mobility, and thermodynamic stability) indicates that this missense variant is not expected to disrupt FLCN protein function with a negative predictive value of 80%. In summary, the available evidence is currently insufficient to determine the role of this variant in disease. Therefore, it has been classified as a Variant of Uncertain Significance.

GeneDx
Classification: Uncertain significance. Last evaluated: 2026-01-04. Review status: criteria provided, single submitter. Criteria: GeneDx Variant Classification Process June 2021. Collection method: clinical testing. Allele origin: germline. Affected: yes.
Comment: Not observed at significant frequency in large population cohorts (gnomAD); In silico analysis suggests that this missense variant does not alter protein structure/function; Has not been previously published as pathogenic or benign to our knowledge; This variant is associated with the following publications: (PMID: 17028174)

Blueprint Genetics
Classification: Uncertain significance. Last evaluated: 2024-09-03. Review status: criteria provided, single submitter. Criteria: ACMG Guidelines, 2015. Collection method: clinical testing. Allele origin: germline.

Ambry Genetics
Classification: Uncertain significance for Hereditary cancer-predisposing syndrome. Last evaluated: 2024-07-11. Review status: criteria provided, single submitter. Criteria: Ambry Variant Classification Scheme 2023. Collection method: clinical testing. Allele origin: germline.
Comment: The p.R362H variant (also known as c.1085G>A), located in coding exon 7 of the FLCN gene, results from a G to A substitution at nucleotide position 1085. The arginine at codon 362 is replaced by histidine, an amino acid with highly similar properties. This amino acid position is highly conserved in available vertebrate species. In addition, the in silico prediction for this alteration is inconclusive. Since supporting evidence is limited at this time, the clinical significance of this alteration remains unclear.

Fulgent Genetics
Classification: Uncertain significance for Colorectal cancer; Birt-Hogg-Dube syndrome 1; Nonpapillary renal cell carcinoma; Familial spontaneous pneumothorax. Last evaluated: 2024-04-29. Review status: criteria provided, single submitter. Criteria: ACMG Guidelines, 2015. Collection method: clinical testing. Allele origin: germline.

Baylor Genetics
Classification: Uncertain significance for Birt-Hogg-Dube syndrome 1. Last evaluated: 2023-12-14. Review status: criteria provided, single submitter. Criteria: ACMG Guidelines, 2015. Collection method: clinical testing. Allele origin: unknown.

Sema4
Classification: Uncertain significance for Hereditary cancer-predisposing syndrome. Last evaluated: 2021-12-28. Review status: criteria provided, single submitter. Criteria: Sema4 Curation Guidelines. Collection method: curation. Allele origin: germline.
Comment: To the best of our knowledge, the FLCN c.1085G>A (p.R362H) variant has not been reported in individuals with FLCN-related disease. It was observed in 3/128582 chromosomes of the Non-Finnish European subpopulation in the Genome Aggregation Database (PMID: 32461654). The variant has been reported in ClinVar (Variation ID 529995). Functional studies have not been performed, and in silico predictions of the variant's effect on protein function are inconclusive. The evidence is insufficient to meet ACMG/AMP criteria for classifying the variant as benign or pathogenic. Thus, the clinical significance of this variant is currently uncertain.

NM_144997.7(FLCN):c.1085G>A (p.Arg362His)

Gene: FLCN (folliculin; minus strand). Cytogenetic location: 17p11.2.
Variant type: single nucleotide variant.
Coding change: c.1085G>A on transcript NM_144997.7 (MANE Select); coding-DNA position 1085, G replaced by A.
Protein change: p.Arg362His; replaces arginine 362 with histidine.
Molecular consequence: missense variant.
Genome position (GRCh38, 1-based): chr17:17,217,160, C>T on the plus strand (G>A on the coding strand, the complement: FLCN is on the minus strand). VCF-style: chr17-17217160-C-T. GRCh37 (hg19) VCF-style: chr17-17120474-C-T.
Other names: c.1085G>A (LRG_325t1); c.1139G>A, p.Arg380His (NM_001353229.2); c.1085G>A, p.Arg362His (NM_001353230.2, NM_001353231.2); short protein forms R362H, R380H.
Identifiers: ClinVar variation 529995 (VCV000529995.24), dbSNP rs559055296, ClinGen allele CA398532365.
Genomic context (GRCh38, chr17:17,217,160, plus strand): 5'-TCCACGTCTCTGCTTTTCCAGATCACCTGGTTCCCCATGAGAACGTGCCAGGCCAGCATG[C>T]GGAAAGAAGGGGCACCCAGGACCTAAACAAGAGAGTGCAGTGCTTTCAGCGTGACTAGTA-3'
Protein context (NP_659434.2, residues 352-372): MRQVLGAPSF[Arg362His]MLAWHVLMGN